The following is an entry in ClinVar:

ClinVar aggregate classification (germline): Likely pathogenic. Review status: criteria provided, multiple submitters, no conflicts (2 of 4 stars). 3 submissions from 3 submitters: Likely pathogenic (3). Last evaluated 2026-03-21.

Conditions:
Glycogen storage disease, type IV (GSD4). Also called: Glycogen storage disease due to glycogen branching enzyme deficiency; AMYLOPECTINOSIS; ANDERSEN DISEASE; BRANCHER DEFICIENCY; CIRRHOSIS, FAMILIAL, WITH DEPOSITION OF ABNORMAL GLYCOGEN; GBE1 DEFICIENCY. Identifiers: Orphanet 367, MedGen C0017923, MONDO:0009292, OMIM 232500.
Glycogen storage disease IV, classic hepatic. Also called: GSD IV, CLASSIC HEPATIC. Identifiers: MedGen C1856301.

Allele frequency attached by ClinVar (database versions not stated): TOPMed below 0.00001.
gnomAD v4.1: 1 of 1,606,904 alleles (0.000062%); highest among the groups gnomAD compares: African/African-American, 0.0013%; no homozygotes.

Submissions (3):

GeneDx
Classification: Likely pathogenic. Last evaluated: 2026-03-21. Review status: criteria provided, single submitter. Criteria: GeneDx Variant Classification Process June 2021. Collection method: clinical testing. Allele origin: germline.
Comment: Reported as a heterozygous variant in a patient with glycogen storage disease IV in the published literature; however, a second variant in GBE1 was not reported (PMID: 23014386); Canonical splice site variant predicted to result in a null allele in a gene for which loss of function is a known mechanism of disease; Not observed at significant frequency in large population cohorts (gnomAD); This variant is associated with the following publications: (PMID: 20532556, 23014386)

Natera, Inc.
Classification: Likely pathogenic for Glycogen storage disease type IV. Last evaluated: 2025-05-22. Review status: criteria provided, single submitter. Criteria: Natera Variant Classification Schema (03/2026). Collection method: clinical testing. Allele origin: germline.
Comment: The c.1236+1G>A variant in GBE1 is a canonical splice donor site variant predicted to affect pre-mRNA splicing, which may result in an abnormal transcript and altered protein product. This variant is expected to result in nonsense mediated decay, truncation, or a dysfunctional protein product. This variant is rare in the general population with a frequency below the threshold expected for the associated phenotype(s). Given the available evidence, this variant is classified as Likely Pathogenic.

Labcorp Genetics (formerly Invitae), Labcorp
Classification: Likely pathogenic for Glycogen storage disease, type IV; Glycogen storage disease IV, classic hepatic. Last evaluated: 2023-05-24. Review status: criteria provided, single submitter. Criteria: Invitae Variant Classification Sherloc (09022015). Collection method: clinical testing. Allele origin: germline.
Comment: Disruption of this splice site has been observed in individual(s) with GBE1-related conditions (PMID: 20532556, 23014386). In summary, the currently available evidence indicates that the variant is pathogenic, but additional data are needed to prove that conclusively. Therefore, this variant has been classified as Likely Pathogenic. Algorithms developed to predict the effect of sequence changes on RNA splicing suggest that this variant may disrupt the consensus splice site. This variant is not present in population databases (gnomAD no frequency). This sequence change affects a donor splice site in intron 9 of the GBE1 gene. It is expected to disrupt RNA splicing. Variants that disrupt the donor or acceptor splice site typically lead to a loss of protein function (PMID: 16199547), and loss-of-function variants in GBE1 are known to be pathogenic (PMID: 15452297, 20058079).

Literature cited by the submitters: PubMed 20532556 (cited by Labcorp Genetics (formerly Invitae), Labcorp); PubMed 23014386 (cited by Labcorp Genetics (formerly Invitae), Labcorp); PubMed 16199547 (cited by Labcorp Genetics (formerly Invitae), Labcorp); PubMed 15452297 (cited by Labcorp Genetics (formerly Invitae), Labcorp); PubMed 20058079 (cited by Labcorp Genetics (formerly Invitae), Labcorp).

NM_000158.4(GBE1):c.1236+1G>A

Gene: GBE1 (1,4-alpha-glucan branching enzyme 1; minus strand). Cytogenetic location: 3p12.2.
Variant type: single nucleotide variant.
Coding change: c.1236+1G>A on transcript NM_000158.4 (MANE Select); the canonical splice donor site of the intron after coding-DNA position 1236, G replaced by A.
Molecular consequence: splice donor variant.
Genome position (GRCh38, 1-based): chr3:81,591,036, C>T on the plus strand (G>A on the coding strand, the complement: GBE1 is on the minus strand). VCF-style: chr3-81591036-C-T. GRCh37 (hg19) VCF-style: chr3-81640187-C-T.
Other names: c.1236+1G>A (NM_000158.3).
Identifiers: ClinVar variation 2925354 (VCV002925354.5), dbSNP rs1199237900, ClinGen allele CA353685423.